The following is an entry in ClinVar:

ClinVar aggregate classification (germline): Uncertain significance (1 of 4 stars; one submission).

Conditions:
Hereditary cancer-predisposing syndrome. Also called: Neoplastic Syndromes, Hereditary; Tumor predisposition; Hereditary Cancer Syndrome; Hereditary neoplastic syndrome. Identifiers: Orphanet 140162, MedGen C0027672, MeSH D009386, MONDO:0015356.

Submission:

Ambry Genetics
Classification: Uncertain significance for Hereditary cancer-predisposing syndrome. Last evaluated: 2017-03-31. Review status: criteria provided, single submitter. Criteria: Ambry Variant Classification Scheme 2023. Collection method: clinical testing. Allele origin: germline.
Comment: The p.S124I variant (also known as c.371G>T), located in coding exon 4 of the MRE11A gene, results from a G to T substitution at nucleotide position 371. The serine at codon 124 is replaced by isoleucine, an amino acid with dissimilar properties. This amino acid position is highly conserved in available vertebrate species. In addition, this alteration is predicted to be deleterious by in silico analysis. Since supporting evidence is limited at this time, the clinical significance of this alteration remains unclear.

NM_005591.4(MRE11):c.371G>T (p.Ser124Ile)

Gene: MRE11 (MRE11 double strand break repair nuclease; minus strand). Cytogenetic location: 11q21.
Variant type: single nucleotide variant.
Coding change: c.371G>T on transcript NM_005591.4 (MANE Select); coding-DNA position 371, G replaced by T.
Protein change: p.Ser124Ile; replaces serine 124 with isoleucine.
Molecular consequence: missense variant.
Genome position (GRCh38, 1-based): chr11:94,479,705, C>A on the plus strand (G>T on the coding strand, the complement: MRE11 is on the minus strand). VCF-style: chr11-94479705-C-A. GRCh37 (hg19) VCF-style: chr11-94212871-C-A.
Other names: c.371G>T, p.Ser124Ile (NM_001330347.2, NM_005590.4); short protein forms S124I.
Identifiers: ClinVar variation 483602 (VCV000483602.5), dbSNP rs1555015422, ClinGen allele CA382378389.